The following is an entry in ClinVar:

NM_001369.3(DNAH5):c.11753T>C (p.Leu3918Pro)

Gene: DNAH5 (dynein axonemal heavy chain 5; minus strand). Cytogenetic location: 5p15.2.
Variant type: single nucleotide variant.
Coding change: c.11753T>C on transcript NM_001369.3 (MANE Select); coding-DNA position 11753, T replaced by C.
Protein change: p.Leu3918Pro; replaces leucine 3918 with proline.
Molecular consequence: missense variant.
Genome position (GRCh38, 1-based): chr5:13,735,139, A>G on the plus strand (T>C on the coding strand, the complement: DNAH5 is on the minus strand). VCF-style: chr5-13735139-A-G. GRCh37 (hg19) VCF-style: chr5-13735248-A-G.
Other names: c.11753T>C (NM_001369.2); short protein forms L3918P.
Identifiers: ClinVar variation 1381688 (VCV001381688.6), dbSNP rs2126606502, ClinGen allele CA359222480.
Genomic context (GRCh38, chr5:13,735,139, plus strand): 5'-AATAACTCCTCCATCTGCACCTGTGCGCTATAGTCTCTATTCTTATATTGACCTTTAATA[A>G]GAGTGAGAAACTCTTCATGCTTGACTCGGTTCCTCTGGATGTCAATCTTTAGGGTAAGCA-3'
Protein context (NP_001360.1, residues 3908-3928): NRVKHEEFLT[Leu3918Pro]IKGGASLDLK

ClinVar aggregate classification (germline): Uncertain significance. Review status: criteria provided, multiple submitters, no conflicts (2 of 4 stars). 2 submissions from 2 submitters: Uncertain significance (2). Last evaluated 2026-02-15.

Conditions:
Primary ciliary dyskinesia. Also called: Ciliary dyskinesia. Identifiers: Orphanet 244, MedGen C0008780, MONDO:0016575, HP:0012265.

Allele frequency attached by ClinVar (database versions not stated): gnomAD exomes below 0.00001.
gnomAD v4.1: 1 of 1,614,100 alleles (0.000062%); highest among the groups gnomAD compares: Non-Finnish European, 0.000085%; no homozygotes.

Submissions (2):

Ambry Genetics
Classification: Uncertain significance for Primary ciliary dyskinesia. Last evaluated: 2026-02-15. Review status: criteria provided, single submitter. Criteria: Ambry Variant Classification Scheme 2023. Collection method: clinical testing. Allele origin: germline.
Comment: The p.L3918P variant (also known as c.11753T>C), located in coding exon 68 of the DNAH5 gene, results from a T to C substitution at nucleotide position 11753. The leucine at codon 3918 is replaced by proline, an amino acid with similar properties. This amino acid position is conserved. In addition, this alteration is predicted to be deleterious by in silico analysis. Based on the available evidence, the clinical significance of this variant remains unclear.

Labcorp Genetics (formerly Invitae), Labcorp
Classification: Uncertain significance for Primary ciliary dyskinesia. Last evaluated: 2021-08-14. Review status: criteria provided, single submitter. Criteria: Invitae Variant Classification Sherloc (09022015). Collection method: clinical testing. Allele origin: germline.
Comment: This sequence change replaces leucine with proline at codon 3918 of the DNAH5 protein (p.Leu3918Pro). The leucine residue is highly conserved and there is a moderate physicochemical difference between leucine and proline. This variant is not present in population databases (ExAC no frequency). This variant has not been reported in the literature in individuals affected with DNAH5-related conditions. Algorithms developed to predict the effect of missense changes on protein structure and function (SIFT, PolyPhen-2, Align-GVGD) all suggest that this variant is likely to be disruptive. In summary, the available evidence is currently insufficient to determine the role of this variant in disease. Therefore, it has been classified as a Variant of Uncertain Significance.